The following is an entry in ClinVar:

ClinVar aggregate classification (germline): Uncertain significance. Review status: criteria provided, multiple submitters, no conflicts (2 of 4 stars). 2 submissions from 2 submitters: Uncertain significance (2). Last evaluated 2024-06-03.

Conditions:
Hereditary cancer-predisposing syndrome. Also called: Tumor predisposition; Hereditary neoplastic syndrome; Hereditary Cancer Syndrome; Neoplastic Syndromes, Hereditary. Identifiers: Orphanet 140162, MedGen C0027672, MeSH D009386, MONDO:0015356.
Familial adenomatous polyposis 1 (FAP1). Also called: POLYPOSIS, ADENOMATOUS INTESTINAL; FAMILIAL ADENOMATOUS POLYPOSIS 1, ATTENUATED. Identifiers: MedGen C2713442, MONDO:0021056, OMIM 175100. Disease mechanism: loss of function.

Submissions (2):

Labcorp Genetics (formerly Invitae), Labcorp
Classification: Uncertain significance for Familial adenomatous polyposis 1. Last evaluated: 2024-06-03. Review status: criteria provided, single submitter. Criteria: Invitae Variant Classification Sherloc (09022015). Collection method: clinical testing. Allele origin: germline.
Comment: This sequence change replaces glutamic acid, which is acidic and polar, with lysine, which is basic and polar, at codon 2041 of the APC protein (p.Glu2041Lys). This variant is not present in population databases (gnomAD no frequency). This variant has not been reported in the literature in individuals affected with APC-related conditions. ClinVar contains an entry for this variant (Variation ID: 938413). Advanced modeling of protein sequence and biophysical properties (such as structural, functional, and spatial information, amino acid conservation, physicochemical variation, residue mobility, and thermodynamic stability) performed at Invitae indicates that this missense variant is not expected to disrupt APC protein function with a negative predictive value of 95%. In summary, the available evidence is currently insufficient to determine the role of this variant in disease. Therefore, it has been classified as a Variant of Uncertain Significance.

Ambry Genetics
Classification: Uncertain significance for Hereditary cancer-predisposing syndrome. Last evaluated: 2023-12-26. Review status: criteria provided, single submitter. Criteria: Ambry Variant Classification Scheme 2023. Collection method: clinical testing. Allele origin: germline.
Comment: The p.E2041K variant (also known as c.6121G>A), located in coding exon 15 of the APC gene, results from a G to A substitution at nucleotide position 6121. The glutamic acid at codon 2041 is replaced by lysine, an amino acid with similar properties. This amino acid position is conserved. In addition, in silico predictors for this gene do not accurately predict pathogenicity. Since supporting evidence is limited at this time, the clinical significance of this alteration remains unclear.

NM_000038.6(APC):c.6121G>A (p.Glu2041Lys)

Gene: APC (APC regulator of Wnt signaling pathway; plus strand). Cytogenetic location: 5q22.2.
Variant type: single nucleotide variant.
Coding change: c.6121G>A on transcript NM_000038.6 (MANE Select); coding-DNA position 6121, G replaced by A.
Protein change: p.Glu2041Lys; replaces glutamic acid 2041 with lysine.
Molecular consequence: missense variant.
Genome position (GRCh38, 1-based): chr5:112,841,715, G>A. VCF-style: chr5-112841715-G-A. GRCh37 (hg19) VCF-style: chr5-112177412-G-A.
Other names: c.6121G>A, p.Glu2041Lys (NM_001127510.3, NM_001354895.2); c.6067G>A, p.Glu2023Lys (NM_001127511.3); c.6175G>A, p.Glu2059Lys (NM_001354896.2); c.6151G>A, p.Glu2051Lys (NM_001354897.2); c.6046G>A, p.Glu2016Lys (NM_001354898.2); c.6037G>A, p.Glu2013Lys (NM_001354899.2); c.5998G>A, p.Glu2000Lys (NM_001354900.2); c.5944G>A, p.Glu1982Lys (NM_001354901.2); and 5 more; short protein forms E2013K, E2016K, E2059K, E1915K, E1950K, E1982K, E2000K, E2023K.
Identifiers: ClinVar variation 938413 (VCV000938413.12), dbSNP rs1561605162, ClinGen allele CA16034730.